The following is an entry in ClinVar:

ClinVar aggregate classification (germline): Pathogenic (1 of 4 stars; one submission).

Conditions:
Leber congenital amaurosis 13 (LCA13). Identifiers: MedGen C2675186, MONDO:0012990, OMIM 612712.

Submission:

Labcorp Genetics (formerly Invitae), Labcorp
Classification: Pathogenic for Leber congenital amaurosis 13. Last evaluated: 2021-05-07. Review status: criteria provided, single submitter. Criteria: Invitae Variant Classification Sherloc (09022015). Collection method: clinical testing. Allele origin: germline.
Comment: For these reasons, this variant has been classified as Pathogenic. This variant has not been reported in the literature in individuals with RDH12-related conditions. This variant is not present in population databases (ExAC no frequency). This sequence change creates a premature translational stop signal (p.Leu15Cysfs*4) in the RDH12 gene. It is expected to result in an absent or disrupted protein product. Loss-of-function variants in RDH12 are known to be pathogenic (PMID: 17964524, 22065924).

Literature cited by the submitters: PubMed 17964524; PubMed 22065924.

NM_152443.3(RDH12):c.43del (p.Leu15fs)

Genes: GPHN (gephyrin; plus strand), RDH12 (retinol dehydrogenase 12; plus strand). Cytogenetic location: 14q24.1.
Variant type: Deletion.
Coding change: c.43del on transcript NM_152443.3 (MANE Select); coding-DNA position 43, one base deleted (C; older notation c.43delC).
Protein change: p.Leu15fs; shifts the reading frame from leucine 15.
Molecular consequence: frameshift variant.
Genome position (GRCh38, 1-based): chr14:67,722,685, C deleted; the last of 2 consecutive C bases (chr14:67,722,684-67,722,685); deleting either gives the same sequence. VCF-style (leftmost placement, unchanged base first): chr14-67722683-TC-T. GRCh37 (hg19) VCF-style: chr14-68189400-TC-T.
Other names: short protein forms L15fs.
Identifiers: ClinVar variation 1454036 (VCV001454036.6), dbSNP rs1167979935, ClinGen allele CA614772614.